The following is an entry in ClinVar:

NM_000070.3(CAPN3):c.1357dup (p.Thr453fs)

Genes: CAPN3 (calpain 3; plus strand), LOC130056921 (ATAC-STARR-seq lymphoblastoid active region 9300; plus strand). Cytogenetic location: 15q15.1.
Variant type: Duplication.
Coding change: c.1357dup on transcript NM_000070.3 (MANE Select); coding-DNA position 1357, one base duplicated (A; older notation c.1357dupA).
Protein change: p.Thr453fs; shifts the reading frame from threonine 453.
Molecular consequence: frameshift variant.
Genome position (GRCh38, 1-based): chr15:42,401,643, A duplicated. VCF-style (leftmost placement, unchanged base first): chr15-42401642-T-TA. GRCh37 (hg19) VCF-style: chr15-42693840-T-TA.
Other names: c.1357dupA (NM_000070.2); c.1357dup, p.Thr453fs (NM_024344.2); c.1213dup, p.Thr405fs (NM_173087.2); c.1096dup, p.Thr366Asnfs (NM_212464.2); c.*1050dup (NM_212467.2); short protein forms T405fs, T453fs.
Identifiers: ClinVar variation 1954945 (VCV001954945.9), dbSNP rs2053871695, ClinGen allele CA2172718919.

ClinVar aggregate classification (germline): Pathogenic. Review status: criteria provided, multiple submitters, no conflicts (2 of 4 stars). 4 submissions from 4 submitters: Pathogenic (4). Last evaluated 2025-12-30.

Conditions:
Autosomal recessive limb-girdle muscular dystrophy type 2A (LGMDR1). Also called: Muscular dystrophy, limb-girdle, type 2A, Amish; LEYDEN-MOEBIUS MUSCULAR DYSTROPHY; MUSCULAR DYSTROPHY, PELVOFEMORAL; Limb-girdle muscular dystrophy, type 2A; Calpainopathy. Identifiers: Orphanet 267, MedGen C1869123, MONDO:0009675, OMIM 253600. Disease mechanism: loss of function.

Allele frequency attached by ClinVar (database versions not stated): gnomAD exomes below 0.00001; TOPMed below 0.00001.

Submissions (4):

Natera, Inc.
Classification: Pathogenic for Limb-girdle muscular dystrophy type 2A. Last evaluated: 2025-12-30. Review status: criteria provided, single submitter. Criteria: Natera Variant Classification Schema (03/2026). Collection method: clinical testing. Allele origin: germline.
Comment: The c.1357dupA variant in CAPN3 is a frameshift variant predicted to shift the reading frame beginning at codon 453 and leads to a stop codon 18 codons downstream. This variant is expected to result in nonsense mediated decay, truncation, or a dysfunctional protein product. This variant is rare in the general population with a frequency below the threshold expected for the associated phenotype(s). This variant has been observed in one or more individuals affected with the associated recessive disease, as either homozygous or compound heterozygous with a second variant (PMID: 36964972). Given the available evidence, this variant is classified as Pathogenic.

Institute of Human Genetics, Heidelberg University
Classification: Pathogenic for Autosomal recessive limb-girdle muscular dystrophy type 2A. Last evaluated: 2025-08-22. Review status: criteria provided, single submitter. Criteria: ACMG Guidelines, 2015. Collection method: clinical testing. Allele origin: paternal. Affected: yes. Observed: 2 variant alleles.
Comment: PVS1; PM2_supp; PM3_strong

Intergen Genetics and Rare Diseases Diagnosis Center
Classification: Pathogenic for Autosomal recessive limb-girdle muscular dystrophy type 2A. Last evaluated: 2023-08-31. Review status: criteria provided, single submitter. Criteria: ACMG Guidelines, 2015. Collection method: clinical testing. Allele origin: biparental. Inheritance: Autosomal recessive inheritance. Affected: yes. Observed: 1 homozygote.

Labcorp Genetics (formerly Invitae), Labcorp
Classification: Pathogenic for Autosomal recessive limb-girdle muscular dystrophy type 2A. Last evaluated: 2022-02-28. Review status: criteria provided, single submitter. Criteria: Invitae Variant Classification Sherloc (09022015). Collection method: clinical testing. Allele origin: germline.
Comment: For these reasons, this variant has been classified as Pathogenic. Algorithms developed to predict the effect of sequence changes on RNA splicing suggest that this variant may create or strengthen a splice site. This premature translational stop signal has been observed in individual(s) with CAPN3-related conditions (PMID: 32528171). This variant is not present in population databases (gnomAD no frequency). This sequence change creates a premature translational stop signal (p.Thr453Asnfs*18) in the CAPN3 gene. It is expected to result in an absent or disrupted protein product. Loss-of-function variants in CAPN3 are known to be pathogenic (PMID: 10330340, 15689361).

Literature cited by the submitters: PubMed 36964972 (cited by Natera, Inc.); PubMed 32528171 (cited by Labcorp Genetics (formerly Invitae), Labcorp); PubMed 10330340 (cited by Labcorp Genetics (formerly Invitae), Labcorp); PubMed 15689361 (cited by Labcorp Genetics (formerly Invitae), Labcorp).